The following is an entry in ClinVar:

NM_014845.6(FIG4):c.1389-5C>T

Gene: FIG4 (FIG4 phosphoinositide 5-phosphatase; plus strand). Cytogenetic location: 6q21.
Variant type: single nucleotide variant.
Coding change: c.1389-5C>T on transcript NM_014845.6 (MANE Select); 5 bases into the intron before coding-DNA position 1389, C replaced by T.
Molecular consequence: intron variant.
Genome position (GRCh38, 1-based): chr6:109,763,932, C>T. VCF-style: chr6-109763932-C-T. GRCh37 (hg19) VCF-style: chr6-110085135-C-T.
Other names: c.1389-5C>T (NM_014845.5).
Identifiers: ClinVar variation 1299045 (VCV001299045.43), dbSNP rs377752443, ClinGen allele CA3956072.

ClinVar aggregate classification (germline): Conflicting classifications of pathogenicity. Review status: criteria provided, conflicting classifications (1 of 4 stars). 4 submissions from 4 submitters: Uncertain significance (1); Likely benign (2). 1 of the submissions does not count toward it. Last evaluated 2026-07-14.

Conditions:
FIG4-related disorder. Also called: FIG4-related condition; FIG4-related disorders.
Charcot-Marie-Tooth disease type 4. Also called: Charcot-Marie-Tooth, Type 4; Charcot-Marie-Tooth disease, type IV. Identifiers: Orphanet 64749, MedGen C4082197, MONDO:0018995.

Allele frequency attached by ClinVar (database versions not stated): gnomAD 0.00001; gnomAD exomes 0.00001; TOPMed 0.00001; ExAC 0.00002; ESP Exome Variant Server 0.00008.
gnomAD v4.1: 9 of 1,603,402 alleles (0.00056%); highest among the groups gnomAD compares: Admixed American, 0.0017%; no homozygotes.

Submissions (4):

PreventionGenetics, part of Exact Sciences
Classification: Likely benign for FIG4-related condition. Last evaluated: 2026-07-14. Review status: criteria provided, single submitter. Criteria: ACMG Guidelines, 2015. Collection method: clinical testing. Allele origin: germline.
Comment: This variant is classified as likely benign based on ACMG/AMP sequence variant interpretation guidelines (Richards et al. 2015 PMID: 25741868, with internal and published modifications).

Labcorp Genetics (formerly Invitae), Labcorp
Classification: Likely benign for Charcot-Marie-Tooth disease type 4. Last evaluated: 2025-03-31. Review status: criteria provided, single submitter. Criteria: Invitae Variant Classification Sherloc (09022015). Collection method: clinical testing. Allele origin: germline.

CeGaT Center for Human Genetics Tuebingen
Classification: Uncertain significance. Last evaluated: 2021-09-01. Review status: criteria provided, single submitter. Criteria: CeGaT Center For Human Genetics Tuebingen Variant Classification Criteria Version 2. Collection method: clinical testing. Allele origin: germline. Affected: yes. Observed: 1 variant allele.

Genetic Services Laboratory, University of Chicago
Classification: Uncertain significance. Last evaluated: 2022-12-16. Review status: no assertion criteria provided. Collection method: clinical testing. Allele origin: germline. Affected: no. Not counted in ClinVar's aggregate classification.
Comment: DNA sequence analysis of the FIG4 gene demonstrated a sequence change in intron 12, c.1389-5C>T. This change does not appear to have been previously described in individuals with SOX9-related disorders. This sequence change has been described in the gnomAD database in 3 individuals which corresponds to a population frequency of 0.0012% (dbSNP rs377752443). This sequence change is not predicted to have a deleterious effect on splicing based on in-silico splice prediction programs. The functional significance of this sequence change is not known at present and its contribution to this individual's disease phenotype cannot definitively be determined. Biallelic pathogenic variants in FIG4 are associated Charcot-Marie-Tooth disease, type 4J [OMIM# 611228]. Biallelic pathogenic variants in FIG4 have also been identified in individuals with Yunis-Varon syndrome [OMIM# 216340], characterized by skeletal defects and severe neurologic involvement. Some individuals are reported to have genitourinary abnormalities including hypospadias, micropenis, and cryptorchidism.